The following is an entry in ClinVar:

ClinVar aggregate classification (germline): Uncertain significance. Review status: criteria provided, multiple submitters, no conflicts (2 of 4 stars). 4 submissions from 4 submitters: Uncertain significance (4). Last evaluated 2025-02-23.

Conditions:
Familial thoracic aortic aneurysm and aortic dissection (TAAD). Also called: Thoracic aortic aneurysms and dissections. Identifiers: Orphanet 91387, MedGen C4707243, MONDO:0019625.
Marfan syndrome (MFS). Also called: Marfan syndrome type 1; Marfan syndrome, classic; Marfan's syndrome; FBN1-Related Marfan Syndrome; MARFAN SYNDROME, TYPE I. Identifiers: Orphanet 284963, Orphanet 558, MedGen C0024796, MONDO:0007947, OMIM 154700.

Allele frequency attached by ClinVar (database versions not stated): ExAC 0.00001.
gnomAD v4.1: 3 of 1,613,974 alleles (0.00019%); highest among the groups gnomAD compares: Non-Finnish European, 0.00025%; no homozygotes.

Submissions (4):

Labcorp Genetics (formerly Invitae), Labcorp
Classification: Uncertain significance for Marfan syndrome; Familial thoracic aortic aneurysm and aortic dissection. Last evaluated: 2025-02-23. Review status: criteria provided, single submitter. Criteria: Invitae Variant Classification Sherloc (09022015). Collection method: clinical testing. Allele origin: germline.
Comment: This sequence change replaces arginine, which is basic and polar, with glycine, which is neutral and non-polar, at codon 2776 of the FBN1 protein (p.Arg2776Gly). This variant is present in population databases (rs137854466, gnomAD 0.002%). This variant has not been reported in the literature in individuals affected with FBN1-related conditions. ClinVar contains an entry for this variant (Variation ID: 519775). Invitae Evidence Modeling of protein sequence and biophysical properties (such as structural, functional, and spatial information, amino acid conservation, physicochemical variation, residue mobility, and thermodynamic stability) has been performed for this missense variant. However, the output from this modeling did not meet the statistical confidence thresholds required to predict the impact of this variant on FBN1 protein function. In summary, the available evidence is currently insufficient to determine the role of this variant in disease. Therefore, it has been classified as a Variant of Uncertain Significance.

Color Diagnostics, LLC DBA Color Health
Classification: Uncertain significance for Familial thoracic aortic aneurysm and aortic dissection. Last evaluated: 2024-03-08. Review status: criteria provided, single submitter. Criteria: ACMG Guidelines, 2015. Collection method: clinical testing. Allele origin: germline.
Comment: This missense variant replaces arginine with glycine at codon 2776 of the FBN1 protein. Computational prediction suggests that this variant may have deleterious impact on protein structure and function (internally defined REVEL score threshold >= 0.7, PMID: 27666373). To our knowledge, functional studies have not been reported for this variant. This variant has not been reported in individuals affected with FBN1-related disorders in the literature. This variant has been identified in 2/251286 chromosomes in the general population by the Genome Aggregation Database (gnomAD). The available evidence is insufficient to determine the role of this variant in disease conclusively. Therefore, this variant is classified as a Variant of Uncertain Significance.

Women's Health and Genetics/Laboratory Corporation of America, LabCorp
Classification: Uncertain significance. Last evaluated: 2022-06-06. Review status: criteria provided, single submitter. Criteria: LabCorp Variant Classification Summary - May 2015. Collection method: clinical testing. Allele origin: germline.
Comment: Variant summary: FBN1 c.8326C>G (p.Arg2776Gly) results in a non-conservative amino acid change in the encoded protein sequence. Three of five in-silico tools predict a benign effect of the variant on protein function. The variant allele was found at a frequency of 8e-06 in 251286 control chromosomes. The available data on variant occurrences in the general population are insufficient to allow any conclusion about variant significance. To our knowledge, no occurrence of c.8326C>G in individuals affected with Marfan Syndrome and no experimental evidence demonstrating its impact on protein function have been reported. One clinical diagnostic laboratory has submitted clinical-significance assessments for this variant to ClinVar after 2014 without evidence for independent evaluation and classified the variant as uncertain significance. Based on the evidence outlined above, the variant was classified as uncertain significance.

Ambry Genetics
Classification: Uncertain significance for Familial thoracic aortic aneurysm and aortic dissection. Last evaluated: 2017-05-01. Review status: criteria provided, single submitter. Criteria: Ambry Variant Classification Scheme 2023. Collection method: clinical testing. Allele origin: germline.
Comment: The p.R2776G variant (also known as c.8326C>G), located in coding exon 65 of the FBN1 gene, results from a C to G substitution at nucleotide position 8326. The arginine at codon 2776 is replaced by glycine, an amino acid with dissimilar properties. This amino acid position is not well conserved in available vertebrate species. In addition, this alteration is predicted to be deleterious by in silico analysis. Since supporting evidence is limited at this time, the clinical significance of this alteration remains unclear.

NM_000138.5(FBN1):c.8326C>G (p.Arg2776Gly)

Gene: FBN1 (fibrillin 1; minus strand). Cytogenetic location: 15q21.1.
Variant type: single nucleotide variant.
Coding change: c.8326C>G on transcript NM_000138.5 (MANE Select); coding-DNA position 8326, C replaced by G.
Protein change: p.Arg2776Gly; replaces arginine 2776 with glycine.
Molecular consequence: missense variant.
Genome position (GRCh38, 1-based): chr15:48,411,280, G>C on the plus strand (C>G on the coding strand, the complement: FBN1 is on the minus strand). VCF-style: chr15-48411280-G-C. GRCh37 (hg19) VCF-style: chr15-48703477-G-C.
Other names: short protein forms R2776G.
Identifiers: ClinVar variation 519775 (VCV000519775.8), dbSNP rs137854466, ClinGen allele CA059933.